The following is an entry in ClinVar:

NM_014112.5(TRPS1):c.2096+1G>A

Gene: TRPS1 (transcriptional repressor GATA binding 1; minus strand). Cytogenetic location: 8q23.3.
Variant type: single nucleotide variant.
Coding change: c.2096+1G>A on transcript NM_014112.5 (MANE Select); the canonical splice donor site of the intron after coding-DNA position 2096, G replaced by A.
Molecular consequence: splice donor variant.
Genome position (GRCh38, 1-based): chr8:115,603,872, C>T on the plus strand (G>A on the coding strand, the complement: TRPS1 is on the minus strand). VCF-style: chr8-115603872-C-T. GRCh37 (hg19) VCF-style: chr8-116616099-C-T.
Other names: c.2057+1G>A (NM_001330599.2); c.2075+1G>A (NM_001282903.3); c.2069+1G>A (NM_001282902.3).
Identifiers: ClinVar variation 1708130 (VCV001708130.1), dbSNP rs2536888088, ClinGen allele CA372065930.
Genomic context (GRCh38, chr8:115,603,872, plus strand): 5'-TATGGATTTTTTCTATTATTTTATTTGTATATTCCTCCCGACCCCACCCCCCATGCCTCA[C>T]CTGTAGTGTCGGGAAATCTCTTCTTCCACTTGGGTAATAAAATCACATTTGGTACATGAG-3'

ClinVar aggregate classification (germline): Likely pathogenic (1 of 4 stars; one submission).

Conditions:
Trichorhinophalangeal dysplasia type I (TRPS1). Also called: TRICHORHINOPHALANGEAL SYNDROME, TYPE I; TRPS I. Identifiers: Orphanet 77258, MedGen C0432233, MONDO:0008596, OMIM 190350.

Submission:

Laboratory of Medical Genetics, National & Kapodistrian University of Athens
Classification: Likely pathogenic for Trichorhinophalangeal dysplasia type I. Last evaluated: 2022-01-31. Review status: criteria provided, single submitter. Criteria: ACMG Guidelines, 2015. Collection method: clinical testing. Allele origin: germline. Affected: yes.
Comment: PVS1, PM2